The following is an entry in ClinVar:

ClinVar aggregate classification (germline): Uncertain significance (1 of 4 stars; one submission).

Conditions:
Familial thoracic aortic aneurysm and aortic dissection (TAAD). Also called: Thoracic aortic aneurysms and dissections. Identifiers: Orphanet 91387, MedGen C4707243, MONDO:0019625.

Submission:

Ambry Genetics
Classification: Uncertain significance for Familial thoracic aortic aneurysm and aortic dissection. Last evaluated: 2026-07-21. Review status: criteria provided, single submitter. Criteria: Ambry Variant Classification Scheme 2023. Collection method: clinical testing. Allele origin: germline.
Comment: The p.Y101S variant (also known as c.302A>C), located in coding exon 1 of the TGFB3 gene, results from an A to C substitution at nucleotide position 302. The tyrosine at codon 101 is replaced by serine, an amino acid with dissimilar properties. This amino acid position is conserved. In addition, this alteration is predicted to be deleterious by in silico analysis. Based on the available evidence, the clinical significance of this variant remains unclear.

NM_003239.5(TGFB3):c.302A>C (p.Tyr101Ser)

Gene: TGFB3 (transforming growth factor beta 3; minus strand). Cytogenetic location: 14q24.3.
Variant type: single nucleotide variant.
Coding change: c.302A>C on transcript NM_003239.5 (MANE Select); coding-DNA position 302, A replaced by C.
Protein change: p.Tyr101Ser; replaces tyrosine 101 with serine.
Molecular consequence: missense variant.
Genome position (GRCh38, 1-based): chr14:75,980,592, T>G on the plus strand (A>C on the coding strand, the complement: TGFB3 is on the minus strand). VCF-style: chr14-75980592-T-G. GRCh37 (hg19) VCF-style: chr14-76446935-T-G.
Other names: c.302A>C, p.Tyr101Ser (NM_001329938.2, NM_001329939.2); short protein forms Y101S.
Identifiers: ClinVar variation 5030818 (VCV005030818.1).